The following is an entry in ClinVar:

ClinVar aggregate classification (germline): Uncertain significance (1 of 4 stars; one submission).

Conditions:
Charcot-Marie-Tooth disease type 4. Also called: Charcot-Marie-Tooth, Type 4; Charcot-Marie-Tooth disease, type IV. Identifiers: Orphanet 64749, MedGen C4082197, MONDO:0018995.

Allele frequency attached by ClinVar (database versions not stated): gnomAD exomes below 0.00001.
gnomAD v4.1: 5 of 1,613,698 alleles (0.00031%); highest among the groups gnomAD compares: Non-Finnish European, 0.00042%; no homozygotes.

Submission:

Labcorp Genetics (formerly Invitae), Labcorp
Classification: Uncertain significance for Charcot-Marie-Tooth disease type 4. Last evaluated: 2020-02-05. Review status: criteria provided, single submitter. Criteria: Invitae Variant Classification Sherloc (09022015). Collection method: clinical testing. Allele origin: germline.
Comment: In summary, the available evidence is currently insufficient to determine the role of this variant in disease. Therefore, it has been classified as a Variant of Uncertain Significance. Algorithms developed to predict the effect of missense changes on protein structure and function are either unavailable or do not agree on the potential impact of this missense change (SIFT: "Deleterious"; PolyPhen-2: "Benign"; Align-GVGD: "Class C0"). This variant has not been reported in the literature in individuals with SBF2-related conditions. This variant is not present in population databases (ExAC no frequency). This sequence change replaces serine with phenylalanine at codon 976 of the SBF2 protein (p.Ser976Phe). The serine residue is moderately conserved and there is a large physicochemical difference between serine and phenylalanine.

NM_030962.4(SBF2):c.2927C>T (p.Ser976Phe)

Genes: SBF2 (SET binding factor 2; minus strand), LOC101928008 (uncharacterized LOC101928008; plus strand). Cytogenetic location: 11p15.4.
Variant type: single nucleotide variant.
Coding change: c.2927C>T on transcript NM_030962.4 (MANE Select); coding-DNA position 2927, C replaced by T.
Protein change: p.Ser976Phe; replaces serine 976 with phenylalanine.
Molecular consequence: missense variant.
Genome position (GRCh38, 1-based): chr11:9,846,963, G>A on the plus strand (C>T on the coding strand, the complement: SBF2 is on the minus strand). VCF-style: chr11-9846963-G-A. GRCh37 (hg19) VCF-style: chr11-9868510-G-A.
Other names: c.2927C>T, p.Ser976Phe (NM_001386339.1); c.2798C>T, p.Ser933Phe (NM_001386342.1); short protein forms S933F, S976F.
Identifiers: ClinVar variation 1057944 (VCV001057944.9), dbSNP rs1564909729, ClinGen allele CA379633491.